The following is an entry in ClinVar:

ClinVar aggregate classification (germline): Uncertain significance. Review status: criteria provided, single submitter (1 of 4 stars). 2 submissions from 2 submitters: Uncertain significance (1). 1 of the submissions does not count toward it. Last evaluated 2020-09-01.

Conditions:
MKKS-related disorder. Also called: MKKS-related disorders; MKKS-related condition.

gnomAD v4.1: 29 of 1,614,208 alleles (0.0018%); highest among the groups gnomAD compares: Non-Finnish European, 0.0023%; no homozygotes.

Submissions (2):

Blueprint Genetics
Classification: Uncertain significance. Last evaluated: 2020-09-01. Review status: criteria provided, single submitter. Criteria: ACMG Guidelines, 2015. Collection method: clinical testing. Allele origin: germline.

PreventionGenetics, part of Exact Sciences
Classification: Uncertain significance for MKKS-related condition. Last evaluated: 2024-06-17. Review status: no assertion criteria provided. Collection method: clinical testing. Allele origin: germline. Not counted in ClinVar's aggregate classification.
Comment: The MKKS c.217A>G variant is predicted to result in the amino acid substitution p.Ile73Val. To our knowledge, this variant has not been reported in the literature. This variant is reported in 0.0054% of alleles in individuals of East Asian descent in gnomAD. At this time, the clinical significance of this variant is uncertain due to the absence of conclusive functional and genetic evidence.

NM_170784.3(MKKS):c.217A>G (p.Ile73Val)

Gene: MKKS (MKKS centrosomal shuttling protein; minus strand). Cytogenetic location: 20p12.2.
Variant type: single nucleotide variant.
Coding change: c.217A>G on transcript NM_170784.3 (MANE Select); coding-DNA position 217, A replaced by G.
Protein change: p.Ile73Val; replaces isoleucine 73 with valine.
Molecular consequence: missense variant.
Genome position (GRCh38, 1-based): chr20:10,413,298, T>C on the plus strand (A>G on the coding strand, the complement: MKKS is on the minus strand). VCF-style: chr20-10413298-T-C. GRCh37 (hg19) VCF-style: chr20-10393946-T-C.
Other names: c.217A>G, p.Ile73Val (NM_018848.3); short protein forms I73V.
Identifiers: ClinVar variation 3355363 (VCV003355363.2).